The following is an entry in ClinVar:

NM_018489.3(ASH1L):c.200C>G (p.Thr67Ser)

Gene: ASH1L (ASH1 like histone lysine methyltransferase; minus strand). Cytogenetic location: 1q22.
Variant type: single nucleotide variant.
Coding change: c.200C>G on transcript NM_018489.3 (MANE Select); coding-DNA position 200, C replaced by G.
Protein change: p.Thr67Ser; replaces threonine 67 with serine.
Molecular consequence: missense variant.
Genome position (GRCh38, 1-based): chr1:155,521,320, G>C on the plus strand (C>G on the coding strand, the complement: ASH1L is on the minus strand). VCF-style: chr1-155521320-G-C. GRCh37 (hg19) VCF-style: chr1-155491111-G-C.
Other names: c.200C>G, p.Thr67Ser (NM_001366177.2); short protein forms T67S.
Identifiers: ClinVar variation 2136254 (VCV002136254.1), dbSNP rs2524742577, ClinGen allele CA342715178.

ClinVar aggregate classification (germline): Uncertain significance (1 of 4 stars; one submission).

Submission:

GeneDx
Classification: Uncertain significance. Last evaluated: 2022-07-21. Review status: criteria provided, single submitter. Criteria: GeneDx Variant Classification Process June 2021. Collection method: clinical testing. Allele origin: germline. Affected: yes.
Comment: Not observed at significant frequency in large population cohorts (gnomAD); In silico analysis supports that this missense variant does not alter protein structure/function; Has not been previously published as pathogenic or benign to our knowledge